The following is an entry in ClinVar:

NM_004006.3(DMD):c.11014+6C>T

Gene: DMD (dystrophin; minus strand). Cytogenetic location: Xp21.2.
Variant type: single nucleotide variant.
Coding change: c.11014+6C>T on transcript NM_004006.3 (MANE Select); 6 bases into the intron after coding-DNA position 11014, C replaced by T.
Molecular consequence: intron variant.
Genome position (GRCh38, 1-based): chrX:31,134,096, G>A on the plus strand (C>T on the coding strand, the complement: DMD is on the minus strand). VCF-style: chrX-31134096-G-A. GRCh37 (hg19) VCF-style: chrX-31152213-G-A.
Other names: c.10990+6C>T (NM_000109.4); c.6991+6C>T (NM_004011.4); c.6982+6C>T (NM_004012.4); c.3304+6C>T (NM_004023.3, NM_004020.4); c.3595+6C>T (NM_004022.3); c.3634+6C>T (NM_004021.3, NM_004013.3); c.2827+6C>T (NM_004014.3); c.1771+6C>T (NM_004018.3, NM_004017.3); and 3 more.
Identifiers: ClinVar variation 2170350 (VCV002170350.1), dbSNP rs1437773098, ClinGen allele CA874612164.

ClinVar aggregate classification (germline): Uncertain significance (1 of 4 stars; one submission).

Conditions:
Duchenne muscular dystrophy (DMD). Also called: MUSCULAR DYSTROPHY, PSEUDOHYPERTROPHIC PROGRESSIVE, DUCHENNE TYPE; Duchenne Muscular Dystrophy (DMD). Identifiers: Orphanet 98896, MedGen C0013264, MONDO:0010679, OMIM 310200.

Allele frequency attached by ClinVar (database versions not stated): TOPMed below 0.00001.

Submission:

Labcorp Genetics (formerly Invitae), Labcorp
Classification: Uncertain significance for Duchenne muscular dystrophy. Last evaluated: 2022-10-10. Review status: criteria provided, single submitter. Criteria: Invitae Variant Classification Sherloc (09022015). Collection method: clinical testing. Allele origin: germline.
Comment: This sequence change falls in intron 77 of the DMD gene. It does not directly change the encoded amino acid sequence of the DMD protein. It affects a nucleotide within the consensus splice site. This variant is not present in population databases (gnomAD no frequency). This variant has not been reported in the literature in individuals affected with DMD-related conditions. Variants that disrupt the consensus splice site are a relatively common cause of aberrant splicing (PMID: 17576681, 9536098). Algorithms developed to predict the effect of sequence changes on RNA splicing suggest that this variant is not likely to affect RNA splicing. In summary, the available evidence is currently insufficient to determine the role of this variant in disease. Therefore, it has been classified as a Variant of Uncertain Significance.

Literature cited by the submitters: PubMed 17576681; PubMed 9536098.